The following is an entry in ClinVar:

ClinVar aggregate classification (germline): Uncertain significance (1 of 4 stars; one submission).

Allele frequency attached by ClinVar (database versions not stated): 1000 Genomes Project 30x 0.00016.
gnomAD v4.1: 9 of 1,611,714 alleles (0.00056%); highest among the groups gnomAD compares: South Asian, 0.0099%; no homozygotes.

Submission:

Labcorp Genetics (formerly Invitae), Labcorp
Classification: Uncertain significance. Last evaluated: 2021-04-03. Review status: criteria provided, single submitter. Criteria: Invitae Variant Classification Sherloc (09022015). Collection method: clinical testing. Allele origin: germline.
Comment: In summary, the available evidence is currently insufficient to determine the role of this variant in disease. Therefore, it has been classified as a Variant of Uncertain Significance. Advanced modeling of protein sequence and biophysical properties (such as structural, functional, and spatial information, amino acid conservation, physicochemical variation, residue mobility, and thermodynamic stability) performed at Invitae indicates that this missense variant is not expected to disrupt SI protein function. This variant has not been reported in the literature in individuals with SI-related conditions. This variant is present in population databases (rs193172680, ExAC 0.01%). This sequence change replaces threonine with lysine at codon 184 of the SI protein (p.Thr184Lys). The threonine residue is weakly conserved and there is a moderate physicochemical difference between threonine and lysine.

NM_001041.4(SI):c.551C>A (p.Thr184Lys)

Gene: SI (sucrase-isomaltase; minus strand). Cytogenetic location: 3q26.1.
Variant type: single nucleotide variant.
Coding change: c.551C>A on transcript NM_001041.4 (MANE Select); coding-DNA position 551, C replaced by A.
Protein change: p.Thr184Lys; replaces threonine 184 with lysine.
Molecular consequence: missense variant.
Genome position (GRCh38, 1-based): chr3:165,067,424, G>T on the plus strand (C>A on the coding strand, the complement: SI is on the minus strand). VCF-style: chr3-165067424-G-T. GRCh37 (hg19) VCF-style: chr3-164785212-G-T.
Other names: short protein forms T184K.
Identifiers: ClinVar variation 1495384 (VCV001495384.7), dbSNP rs193172680, ClinGen allele CA2691450.